The following is an entry in ClinVar:

NM_000038.6(APC):c.6944_6945del (p.Gln2315fs)

Gene: APC (APC regulator of Wnt signaling pathway; plus strand). Cytogenetic location: 5q22.2.
Variant type: Deletion.
Coding change: c.6944_6945del on transcript NM_000038.6 (MANE Select); coding-DNA positions 6944 to 6945, 2 bases deleted (AA; older notation c.6944_6945delAA).
Protein change: p.Gln2315fs; shifts the reading frame from glutamine 2315.
Molecular consequence: frameshift variant.
Genome position (GRCh38, 1-based): chr5:112,842,538-112,842,539, AA deleted. VCF-style (leftmost placement, unchanged base first): chr5-112842537-CAA-C. GRCh37 (hg19) VCF-style: chr5-112178234-CAA-C.
Other names: c.6944_6945del, p.Gln2315fs (NM_001127510.3, NM_001354895.2); c.6890_6891del, p.Gln2297fs (NM_001127511.3); c.6998_6999del, p.Gln2333fs (NM_001354896.2); c.6974_6975del, p.Gln2325fs (NM_001354897.2); c.6869_6870del, p.Gln2290fs (NM_001354898.2); c.6860_6861del, p.Gln2287fs (NM_001354899.2); c.6821_6822del, p.Gln2274fs (NM_001354900.2); c.6767_6768del, p.Gln2256fs (NM_001354901.2); and 5 more; short protein forms Q2155fs, Q2214fs, Q2274fs, Q2315fs, Q2189fs, Q2256fs, Q2297fs, Q2224fs.
Identifiers: ClinVar variation 1449217 (VCV001449217.9), dbSNP rs2149976879, ClinGen allele CA2573138701.
Genomic context (GRCh38, chr5:112,842,537, plus strand): 5'-TCAAGTAAAGCACCTTCTAGATCAGGATCTAGAGATTCGACCCCTTCAAGACCTGCCCAG[CAA>C]CCATTAAGTAGACCTATACAGTCTCCTGGCCGAAACTCAATTTCCCCTGGTAGAAATGGA-3'

ClinVar aggregate classification (germline): Pathogenic. Review status: criteria provided, multiple submitters, no conflicts (2 of 4 stars). 2 submissions from 2 submitters: Pathogenic (2). Last evaluated 2023-05-16.

Conditions:
Familial adenomatous polyposis 1 (FAP1). Also called: FAMILIAL ADENOMATOUS POLYPOSIS 1, ATTENUATED; POLYPOSIS, ADENOMATOUS INTESTINAL. Identifiers: MedGen C2713442, MONDO:0021056, OMIM 175100. Disease mechanism: loss of function.

Submissions (2):

Myriad Genetics, Inc.
Classification: Pathogenic for Familial adenomatous polyposis 1. Last evaluated: 2023-05-16. Review status: criteria provided, single submitter. Criteria: Myriad Autosomal Dominant, Autosomal Recessive and X-Linked Classification Criteria (2023). Collection method: clinical testing. Allele origin: unknown.
Comment: This variant is considered pathogenic. This variant creates a frameshift predicted to result in premature protein truncation.

Labcorp Genetics (formerly Invitae), Labcorp
Classification: Pathogenic for Familial adenomatous polyposis 1. Last evaluated: 2022-09-07. Review status: criteria provided, single submitter. Criteria: Invitae Variant Classification Sherloc (09022015). Collection method: clinical testing. Allele origin: germline.
Comment: ClinVar contains an entry for this variant (Variation ID: 1449217). This variant has not been reported in the literature in individuals affected with APC-related conditions. This variant is not present in population databases (gnomAD no frequency). This sequence change creates a premature translational stop signal (p.Gln2315Profs*4) in the APC gene. While this is not anticipated to result in nonsense mediated decay, it is expected to disrupt the last 529 amino acid(s) of the APC protein. This variant is expected to disrupt the EB1 and HDLG binding sites, which mediate interactions with the cytoskeleton (PMID: 15311282, 17293347). While functional studies have not been performed to directly test the effect on APC protein function, this suggests that disruption of the C-terminal portion of the protein is functionally important. For these reasons, this variant has been classified as Pathogenic. A different truncation (p.Tyr2645Lysfs*14) that lies downstream of this variant has been determined to be pathogenic (PMID: 9824584, 1316610, 27081525, 8381579, 22135120, Invitae). This suggests that deletion of this region of the APC protein is causative of disease.

Literature cited by the submitters: PubMed 15311282 (cited by Labcorp Genetics (formerly Invitae), Labcorp); PubMed 17293347 (cited by Labcorp Genetics (formerly Invitae), Labcorp); PubMed 9824584 (cited by Labcorp Genetics (formerly Invitae), Labcorp); PubMed 1316610 (cited by Labcorp Genetics (formerly Invitae), Labcorp); PubMed 27081525 (cited by Labcorp Genetics (formerly Invitae), Labcorp); PubMed 8381579 (cited by Labcorp Genetics (formerly Invitae), Labcorp); PubMed 22135120 (cited by Labcorp Genetics (formerly Invitae), Labcorp).